The following is an entry in ClinVar:

NM_152594.3(SPRED1):c.878T>C (p.Leu293Pro)

Gene: SPRED1 (sprouty related EVH1 domain containing 1; plus strand). Cytogenetic location: 15q14.
Variant type: single nucleotide variant.
Coding change: c.878T>C on transcript NM_152594.3 (MANE Select); coding-DNA position 878, T replaced by C.
Protein change: p.Leu293Pro; replaces leucine 293 with proline.
Molecular consequence: missense variant.
Genome position (GRCh38, 1-based): chr15:38,351,207, T>C. VCF-style: chr15-38351207-T-C. GRCh37 (hg19) VCF-style: chr15-38643408-T-C.
Other names: short protein forms L293P.
Identifiers: ClinVar variation 3961406 (VCV003961406.1).

ClinVar aggregate classification (germline): Uncertain significance (1 of 4 stars; one submission).

Conditions:
Cardiovascular phenotype. Identifiers: MedGen CN230736.

Submission:

Ambry Genetics
Classification: Uncertain significance for Cardiovascular phenotype. Last evaluated: 2025-05-27. Review status: criteria provided, single submitter. Criteria: Ambry Variant Classification Scheme 2023. Collection method: clinical testing. Allele origin: germline.
Comment: The p.L293P variant (also known as c.878T>C), located in coding exon 7 of the SPRED1 gene, results from a T to C substitution at nucleotide position 878. The leucine at codon 293 is replaced by proline, an amino acid with similar properties. This amino acid position is conserved. In addition, the in silico prediction for this alteration is inconclusive. Based on the available evidence, the clinical significance of this variant remains unclear.